The following is an entry in ClinVar:

NM_174934.4(SCN4B):c.-27C>G

Gene: SCN4B (sodium voltage-gated channel beta subunit 4; minus strand). Cytogenetic location: 11q23.3.
Variant type: single nucleotide variant.
Coding change: c.-27C>G on transcript NM_174934.4 (MANE Select); 27 bases upstream of the start codon, C replaced by G.
Molecular consequence: 5 prime UTR variant.
Genome position (GRCh38, 1-based): chr11:118,152,700, G>C on the plus strand (C>G on the coding strand, the complement: SCN4B is on the minus strand). VCF-style: chr11-118152700-G-C. GRCh37 (hg19) VCF-style: chr11-118023415-G-C.
Other names: c.-27C>G (NM_001142348.2).
Identifiers: ClinVar variation 379049 (VCV000379049.1), dbSNP rs374429768, ClinGen allele CA6300359.

ClinVar aggregate classification (germline): Likely benign (1 of 4 stars; one submission).

Allele frequency attached by ClinVar (database versions not stated): ESP Exome Variant Server 0.00008; gnomAD 0.00009 and 0.00007; TOPMed 0.00012; gnomAD exomes 0.00001; ExAC 0.00002.
gnomAD v4.1: 19 of 1,570,418 alleles (0.0012%); highest among the groups gnomAD compares: African/African-American, 0.026%; no homozygotes.

Submission:

GeneDx
Classification: Likely benign. Last evaluated: 2016-03-14. Review status: criteria provided, single submitter. Criteria: GeneDx Variant Classification (06012015). Collection method: clinical testing. Allele origin: germline. Affected: yes.
Comment: This variant is considered likely benign or benign based on one or more of the following criteria: it is a conservative change, it occurs at a poorly conserved position in the protein, it is predicted to be benign by multiple in silico algorithms, and/or has population frequency not consistent with disease.